The following is an entry in ClinVar:

NM_013447.4(ADGRE2):c.1158C>T (p.Leu386=)

Gene: ADGRE2 (adhesion G protein-coupled receptor E2; minus strand). Cytogenetic location: 19p13.12.
Variant type: single nucleotide variant.
Coding change: c.1158C>T on transcript NM_013447.4 (MANE Select); coding-DNA position 1158, C replaced by T.
Protein change: p.Leu386=; no amino-acid change (leucine 386 retained).
Molecular consequence: synonymous variant.
Genome position (GRCh38, 1-based): chr19:14,756,272, G>A on the plus strand (C>T on the coding strand, the complement: ADGRE2 is on the minus strand). VCF-style: chr19-14756272-G-A. GRCh37 (hg19) VCF-style: chr19-14867084-G-A.
Other names: c.1158C>T, p.Leu386= (NM_001271052.1); c.1011C>T, p.Leu337= (NM_152916.2); c.879C>T, p.Leu293= (NM_152917.2).
Identifiers: ClinVar variation 2082558 (VCV002082558.4), dbSNP rs764142875, ClinGen allele CA9257784.

ClinVar aggregate classification (germline): Uncertain significance (1 of 4 stars; one submission).

Allele frequency attached by ClinVar (database versions not stated): ExAC 0.00001; gnomAD exomes 0.00001; gnomAD 0.00002; TOPMed 0.00004.
gnomAD v4.1: 25 of 1,613,834 alleles (0.0015%); highest among the groups gnomAD compares: Admixed American, 0.0033%; no homozygotes.

Submission:

Labcorp Genetics (formerly Invitae), Labcorp
Classification: Uncertain significance. Last evaluated: 2025-02-10. Review status: criteria provided, single submitter. Criteria: Invitae Variant Classification Sherloc (09022015). Collection method: clinical testing. Allele origin: germline.
Comment: This sequence change affects codon 386 of the ADGRE2 mRNA. It is a 'silent' change, meaning that it does not change the encoded amino acid sequence of the ADGRE2 protein. This variant is present in population databases (rs764142875, gnomAD 0.01%). This variant has not been reported in the literature in individuals affected with ADGRE2-related conditions. ClinVar contains an entry for this variant (Variation ID: 2082558). Algorithms developed to predict the effect of sequence changes on RNA splicing suggest that this variant may disrupt the consensus splice site. In summary, the available evidence is currently insufficient to determine the role of this variant in disease. Therefore, it has been classified as a Variant of Uncertain Significance.